The following is an entry in ClinVar:

ClinVar aggregate classification (germline): Uncertain significance. Review status: criteria provided, multiple submitters, no conflicts (2 of 4 stars). 3 submissions from 3 submitters: Uncertain significance (3). Last evaluated 2025-10-05.

Conditions:
Cardiovascular phenotype. Identifiers: MedGen CN230736.
Familial hypobetalipoproteinemia 1. Also called: Hypobetalipoproteinemia, normotriglyceridemic; Acanthocytosis with hypobetalipoproteinemia; APOB-Related Familial Hypobetalipoproteinemia. Identifiers: MedGen C4551990, MONDO:0014252, OMIM 615558.
Hypercholesterolemia, autosomal dominant, type B (FHCL2). Also called: Familial Hypercholesterolemia Type B; APOLIPOPROTEIN B-100, FAMILIAL DEFECTIVE; APOLIPOPROTEIN B-100, FAMILIAL LIGAND-DEFECTIVE; HYPERCHOLESTEROLEMIA, FAMILIAL, DUE TO LIGAND-DEFECTIVE APOLIPOPROTEIN B; Familial hypercholesterolemia 2; APOB-Related Familial Hypercholesterolemia, Autosomal Dominant. Identifiers: MedGen C1704417, MONDO:0007751, OMIM 144010.

Allele frequency attached by ClinVar (database versions not stated): gnomAD exomes 0.00001.
gnomAD v4.1: 3 of 1,614,092 alleles (0.00019%); highest among the groups gnomAD compares: Non-Finnish European, 0.00025%; no homozygotes.

Submissions (3):

Ambry Genetics
Classification: Uncertain significance for Cardiovascular phenotype. Last evaluated: 2025-10-05. Review status: criteria provided, single submitter. Criteria: Ambry Variant Classification Scheme 2023. Collection method: clinical testing. Allele origin: germline.
Comment: The p.V3758A variant (also known as c.11273T>C), located in coding exon 26 of the APOB gene, results from a T to C substitution at nucleotide position 11273. The valine at codon 3758 is replaced by alanine, an amino acid with similar properties. This amino acid position is conserved. In addition, this alteration is predicted to be tolerated by in silico analysis. Based on the available evidence, the clinical significance of this variant remains unclear.

Labcorp Genetics (formerly Invitae), Labcorp
Classification: Uncertain significance for Familial hypobetalipoproteinemia 1; Hypercholesterolemia, autosomal dominant, type B. Last evaluated: 2021-09-17. Review status: criteria provided, single submitter. Criteria: Invitae Variant Classification Sherloc (09022015). Collection method: clinical testing. Allele origin: germline.
Comment: This sequence change replaces valine with alanine at codon 3758 of the APOB protein (p.Val3758Ala). The valine residue is moderately conserved and there is a small physicochemical difference between valine and alanine. This variant is not present in population databases (ExAC no frequency). This variant has not been reported in the literature in individuals affected with APOB-related conditions. Algorithms developed to predict the effect of missense changes on protein structure and function are either unavailable or do not agree on the potential impact of this missense change (SIFT: "Deleterious"; PolyPhen-2: "Benign"; Align-GVGD: "Class C0"). In summary, the available evidence is currently insufficient to determine the role of this variant in disease. Therefore, it has been classified as a Variant of Uncertain Significance.

New York Genome Center
Classification: Uncertain significance for Hypercholesterolemia, autosomal dominant, type B; Familial hypobetalipoproteinemia 1. Last evaluated: 2020-12-22. Review status: criteria provided, single submitter. Criteria: NYGC Assertion Criteria 2020. Collection method: clinical testing. Allele origin: germline. Observed: 1 heterozygote.

NM_000384.3(APOB):c.11273T>C (p.Val3758Ala)

Gene: APOB (apolipoprotein B; minus strand). Cytogenetic location: 2p24.1.
Variant type: single nucleotide variant.
Coding change: c.11273T>C on transcript NM_000384.3 (MANE Select); coding-DNA position 11273, T replaced by C.
Protein change: p.Val3758Ala; replaces valine 3758 with alanine.
Molecular consequence: missense variant.
Genome position (GRCh38, 1-based): chr2:21,005,595, A>G on the plus strand (T>C on the coding strand, the complement: APOB is on the minus strand). VCF-style: chr2-21005595-A-G. GRCh37 (hg19) VCF-style: chr2-21228467-A-G.
Other names: short protein forms V3758A.
Identifiers: ClinVar variation 1803918 (VCV001803918.7), dbSNP rs998871696, ClinGen allele CA43492050.
Genomic context (GRCh38, chr2:21,005,595, plus strand): 5'-GATGAAGTTCTCAGCTTCTTATAGATTTGTATTTCTCTGAAGTCAAGTTTGCACGATGGA[A>G]CCTGAAGATCTGTAAATGGGACATGGAACGTAGGCATGACAAGAACTGAATTTAGATCAT-3'
Protein context (NP_000375.3, residues 3748-3768): TFHVPFTDLQ[Val3758Ala]PSCKLDFREI